The following is an entry in ClinVar:

NM_172351.3(CD46):c.981G>A (p.Leu327=)

Gene: CD46 (CD46 molecule; plus strand). Cytogenetic location: 1q32.2.
Variant type: single nucleotide variant.
Coding change: c.981G>A on transcript NM_172351.3 (MANE Select); coding-DNA position 981, G replaced by A.
Protein change: p.Leu327=; no amino-acid change (leucine 327 retained).
Molecular consequence: synonymous variant.
Genome position (GRCh38, 1-based): chr1:207,783,329, G>A. VCF-style: chr1-207783329-G-A. GRCh37 (hg19) VCF-style: chr1-207956674-G-A.
Other names: c.1026G>A, p.Leu342= (NM_002389.4, NM_172359.3); c.981G>A, p.Leu327= (NM_153826.4, NM_172358.3); c.936G>A, p.Leu312= (NM_172350.3, NM_172352.3, NM_172353.3); c.939G>A, p.Leu313= (NM_172355.3, NM_172356.3); c.894G>A, p.Leu298= (NM_172357.3, NM_172361.3).
Identifiers: ClinVar variation 1912303 (VCV001912303.6), dbSNP rs2526720732, ClinGen allele CA422976416.

ClinVar aggregate classification (germline): Uncertain significance. Review status: criteria provided, multiple submitters, no conflicts (2 of 4 stars). 2 submissions from 2 submitters: Uncertain significance (2). Last evaluated 2022-11-22.

Allele frequency attached by ClinVar (database versions not stated): gnomAD exomes 0.00001.
gnomAD v4.1: 4 of 1,544,648 alleles (0.00026%); highest among the groups gnomAD compares: Non-Finnish European, 0.00036%; no homozygotes.

Submissions (2):

Labcorp Genetics (formerly Invitae), Labcorp
Classification: Uncertain significance. Last evaluated: 2022-11-22. Review status: criteria provided, single submitter. Criteria: Invitae Variant Classification Sherloc (09022015). Collection method: clinical testing. Allele origin: germline.
Comment: In summary, the available evidence is currently insufficient to determine the role of this variant in disease. Therefore, it has been classified as a Variant of Uncertain Significance. Algorithms developed to predict the effect of sequence changes on RNA splicing suggest that this variant may disrupt the consensus splice site. This variant has not been reported in the literature in individuals affected with CD46-related conditions. This variant is not present in population databases (gnomAD no frequency). This sequence change affects codon 342 of the CD46 mRNA. It is a 'silent' change, meaning that it does not change the encoded amino acid sequence of the CD46 protein. It affects a nucleotide within the consensus splice site.

Blueprint Genetics
Classification: Uncertain significance. Last evaluated: 2020-08-05. Review status: criteria provided, single submitter. Criteria: ACMG Guidelines, 2015. Collection method: clinical testing. Allele origin: germline.